The following is an entry in ClinVar:

ClinVar aggregate classification (germline): Benign/Likely benign. Review status: criteria provided, multiple submitters, no conflicts (2 of 4 stars). 2 submissions from 2 submitters: Benign (1); Likely benign (1). Last evaluated 2026-01-07.

Conditions:
Oligodontia-cancer predisposition syndrome. Also called: TOOTH AGENESIS-COLORECTAL CANCER SYNDROME. Identifiers: Orphanet 300576, MedGen C1837750, MONDO:0012075, OMIM 608615. Disease mechanism: loss of function.

Submissions (2):

Labcorp Genetics (formerly Invitae), Labcorp
Classification: Likely benign for Oligodontia-cancer predisposition syndrome. Last evaluated: 2026-01-07. Review status: criteria provided, single submitter. Criteria: Invitae Variant Classification Sherloc (09022015). Collection method: clinical testing. Allele origin: germline.

Myriad Genetics, Inc.
Classification: Benign for Oligodontia-cancer predisposition syndrome. Last evaluated: 2024-06-27. Review status: criteria provided, single submitter. Criteria: Myriad Autosomal Dominant, Autosomal Recessive and X-Linked Classification Criteria (2023). Collection method: clinical testing. Allele origin: unknown.
Comment: This variant is considered benign. This variant is a silent/synonymous amino acid change and it is not expected to impact splicing.

NM_004655.4(AXIN2):c.774G>C (p.Thr258=)

Gene: AXIN2 (axin 2; minus strand). Cytogenetic location: 17q24.1.
Variant type: single nucleotide variant.
Coding change: c.774G>C on transcript NM_004655.4 (MANE Select); coding-DNA position 774, G replaced by C.
Protein change: p.Thr258=; no amino-acid change (threonine 258 retained).
Molecular consequence: synonymous variant.
Genome position (GRCh38, 1-based): chr17:65,557,847, C>G on the plus strand (G>C on the coding strand, the complement: AXIN2 is on the minus strand). VCF-style: chr17-65557847-C-G. GRCh37 (hg19) VCF-style: chr17-63553965-C-G.
Other names: c.774G>C, p.Thr258= (NM_001363813.1).
Identifiers: ClinVar variation 2844168 (VCV002844168.4), dbSNP rs776060531, ClinGen allele CA501476800.